The following is an entry in ClinVar:

ClinVar aggregate classification (germline): Likely pathogenic (1 of 4 stars; one submission).

Submission:

GeneDx
Classification: Likely pathogenic. Last evaluated: 2023-03-03. Review status: criteria provided, single submitter. Criteria: GeneDx Variant Classification Process June 2021. Collection method: clinical testing. Allele origin: germline. Affected: yes.
Comment: Reported in three individuals in a family with Pfifer syndrome (Jay et al., 2013) Jay S et al. (2013) Am J Med Genet A 161A (5):1158-63 (PMID: 23532954); Published functional studies demonstrate increased FGF10-receptor dimerization, no effect on binding to FGF10, and increased hydrophobic interaction and closer contact of F172 residues at the dimer interface, consistent with a gain-of-function effect (Ibrahimi et al., 2005); Not observed at significant frequency in large population cohorts (gnomAD); In silico analysis supports a deleterious effect on protein structure/function; This variant is associated with the following publications: (PMID: 29782338, 11781872, 26096994, 33926920, 24578066, 23532954, 15632068)

NM_000141.5(FGFR2):c.514_515delinsTT (p.Ala172Phe)

Gene: FGFR2 (fibroblast growth factor receptor 2; minus strand). Cytogenetic location: 10q26.13.
Variant type: Indel.
Coding change: c.514_515delinsTT on transcript NM_000141.5 (MANE Select); coding-DNA positions 514 to 515, GC replaced by TT.
Protein change: p.Ala172Phe; replaces alanine 172 with phenylalanine.
Molecular consequence: missense variant. On other transcripts: non-coding transcript variant (1).
Genome position (GRCh38, 1-based): chr10:121,551,399-121,551,400, GC replaced by AA on the plus strand (GC replaced by TT on the coding strand, the reverse complement: FGFR2 is on the minus strand). VCF-style: chr10-121551399-GC-AA. GRCh37 (hg19) VCF-style: chr10-123310913-GC-AA.
Other names: c.514_515delGCinsTT, p.Ala172Phe (NM_000141.4); c.514_515delinsTT, p.Ala172Phe (NM_001144913.1, NM_001144914.1, NM_001144917.2 and 2 more transcripts); c.247_248delinsTT, p.Ala83Phe (NM_001144915.2, NM_001144919.2); c.169_170delinsTT, p.Ala57Phe (NM_001144916.2, NM_001144918.2); c.247_248delGCinsTT, p.Ala83Phe (NM_023029.3); short protein forms A172F, A57F, A83F.
Identifiers: ClinVar variation 2578102 (VCV002578102.1), dbSNP rs2540580216, ClinGen allele CA2580617658.
Genomic context (GRCh38, chr10:121,551,399, plus strand): 5'-AGCCACCGCATGGTTGGCATTGGGTTCCCCCCGGCTGGGCAGCGAAACTTGACAGTGTTG[GC>AA]CGCAGGCACAGCATGGAGCCGCTTTTCCATCTTTTCTGTGTTGGTCCAGTATGGTGCTCC-3'
Protein context (NP_000132.3, residues 162-182): MEKRLHAVPA[Ala172Phe]NTVKFRCPAG